The following is an entry in ClinVar:

NM_017849.4(TMEM127):c.694C>T (p.Pro232Ser)

Gene: TMEM127 (transmembrane protein 127; minus strand). Cytogenetic location: 2q11.2.
Variant type: single nucleotide variant.
Coding change: c.694C>T on transcript NM_017849.4 (MANE Select); coding-DNA position 694, C replaced by T.
Protein change: p.Pro232Ser; replaces proline 232 with serine.
Molecular consequence: missense variant.
Genome position (GRCh38, 1-based): chr2:96,253,831, G>A on the plus strand (C>T on the coding strand, the complement: TMEM127 is on the minus strand). VCF-style: chr2-96253831-G-A. GRCh37 (hg19) VCF-style: chr2-96919569-G-A.
Other names: c.694C>T, p.Pro232Ser (NM_001193304.3); short protein forms P232S.
Identifiers: ClinVar variation 942472 (VCV000942472.10), dbSNP rs1684140382, ClinGen allele CA347651025.

ClinVar aggregate classification (germline): Uncertain significance. Review status: criteria provided, multiple submitters, no conflicts (2 of 4 stars). 2 submissions from 2 submitters: Uncertain significance (2). Last evaluated 2026-07-06.

Conditions:
Hereditary cancer-predisposing syndrome. Also called: Neoplastic Syndromes, Hereditary; Hereditary Cancer Syndrome; Tumor predisposition; Hereditary neoplastic syndrome. Identifiers: Orphanet 140162, MedGen C0027672, MeSH D009386, MONDO:0015356.
Hereditary pheochromocytoma and paraganglioma. Also called: Hereditary Paraganglioma-Pheochromocytoma Syndromes; Hereditary paragangliomas and pheochromocytomas; Hereditary pheochromocytoma-paraganglioma. Identifiers: Orphanet 29072, MedGen C4274332, MONDO:0017366.

Allele frequency attached by ClinVar (database versions not stated): gnomAD exomes below 0.00001.

Submissions (2):

Ambry Genetics
Classification: Uncertain significance for Hereditary cancer-predisposing syndrome. Last evaluated: 2026-07-06. Review status: criteria provided, single submitter. Criteria: Ambry Variant Classification Scheme 2023. Collection method: clinical testing. Allele origin: germline.
Comment: The p.P232S variant (also known as c.694C>T), located in coding exon 3 of the TMEM127 gene, results from a C to T substitution at nucleotide position 694. The proline at codon 232 is replaced by serine, an amino acid with similar properties. This amino acid position is conserved. In addition, the in silico prediction for this alteration is inconclusive. Based on the available evidence, the clinical significance of this variant remains unclear.

Labcorp Genetics (formerly Invitae), Labcorp
Classification: Uncertain significance for Hereditary pheochromocytoma and paraganglioma. Last evaluated: 2019-09-27. Review status: criteria provided, single submitter. Criteria: Invitae Variant Classification Sherloc (09022015). Collection method: clinical testing. Allele origin: germline.
Comment: Algorithms developed to predict the effect of missense changes on protein structure and function (SIFT, PolyPhen-2, Align-GVGD) all suggest that this variant is likely to be disruptive, but these predictions have not been confirmed by published functional studies and their clinical significance is uncertain. This variant has not been reported in the literature in individuals with TMEM127-related conditions. This variant is not present in population databases (ExAC no frequency). This sequence change replaces proline with serine at codon 232 of the TMEM127 protein (p.Pro232Ser). The proline residue is highly conserved and there is a moderate physicochemical difference between proline and serine. In summary, the available evidence is currently insufficient to determine the role of this variant in disease. Therefore, it has been classified as a Variant of Uncertain Significance.